The following is an entry in ClinVar:

ClinVar aggregate classification (germline): Uncertain significance. Review status: criteria provided, multiple submitters, no conflicts (2 of 4 stars). 3 submissions from 3 submitters: Uncertain significance (2). 1 of the submissions does not count toward it. Last evaluated 2025-07-24.

Conditions:
Neuronal ceroid lipofuscinosis 8 (CLN8). Also called: CLN8-Related Neuronal Ceroid-Lipofuscinosis. Identifiers: Orphanet 168491, Orphanet 228354, Orphanet 79264, MedGen C1838570, MONDO:0010830, OMIM 600143.
Neuronal ceroid lipofuscinosis. Also called: Neuronal Ceroid Lipofuscinoses. Identifiers: Orphanet 216, Orphanet 79263, MedGen C0027877, MONDO:0016295. Disease mechanism: loss of function.

Allele frequency attached by ClinVar (database versions not stated): gnomAD 0.00004 and 0.00007; TOPMed 0.00006; gnomAD exomes 0.00012; ExAC 0.00013; 1000 Genomes Project 30x 0.00016; 1000 Genomes Project 0.00020.

Submissions (3):

GeneDx
Classification: Uncertain significance. Last evaluated: 2025-07-24. Review status: criteria provided, single submitter. Criteria: GeneDx Variant Classification Process June 2021. Collection method: clinical testing. Allele origin: germline. Affected: yes.
Comment: In silico analysis suggests that this missense variant does not alter protein structure/function; Has not been previously published as pathogenic or benign to our knowledge; This variant is associated with the following publications: (PMID: 30019023)

Labcorp Genetics (formerly Invitae), Labcorp
Classification: Uncertain significance for Neuronal ceroid lipofuscinosis. Last evaluated: 2023-12-11. Review status: criteria provided, single submitter. Criteria: Invitae Variant Classification Sherloc (09022015). Collection method: clinical testing. Allele origin: germline.
Comment: This sequence change replaces arginine, which is basic and polar, with glutamine, which is neutral and polar, at codon 129 of the CLN8 protein (p.Arg129Gln). This variant is present in population databases (rs571617007, gnomAD 0.04%). This variant has not been reported in the literature in individuals affected with CLN8-related conditions. ClinVar contains an entry for this variant (Variation ID: 421797). Advanced modeling of protein sequence and biophysical properties (such as structural, functional, and spatial information, amino acid conservation, physicochemical variation, residue mobility, and thermodynamic stability) performed at Invitae indicates that this missense variant is not expected to disrupt CLN8 protein function with a negative predictive value of 80%. In summary, the available evidence is currently insufficient to determine the role of this variant in disease. Therefore, it has been classified as a Variant of Uncertain Significance.

Natera, Inc.
Classification: Uncertain significance for Neuronal ceroid lipofuscinosis 8. Last evaluated: 2020-07-10. Review status: no assertion criteria provided. Collection method: clinical testing. Allele origin: germline. Not counted in ClinVar's aggregate classification.

NM_018941.4(CLN8):c.386G>A (p.Arg129Gln)

Gene: CLN8 (CLN8 transmembrane ER and ERGIC protein; plus strand). Cytogenetic location: 8p23.3.
Variant type: single nucleotide variant.
Coding change: c.386G>A on transcript NM_018941.4 (MANE Select); coding-DNA position 386, G replaced by A.
Protein change: p.Arg129Gln; replaces arginine 129 with glutamine.
Molecular consequence: missense variant.
Genome position (GRCh38, 1-based): chr8:1,771,440, G>A. VCF-style: chr8-1771440-G-A. GRCh37 (hg19) VCF-style: chr8-1719606-G-A.
Other names: short protein forms R129Q.
Identifiers: ClinVar variation 421797 (VCV000421797.9), dbSNP rs571617007, ClinGen allele CA4599258.
Genomic context (GRCh38, chr8:1,771,440, plus strand): 5'-CAGCAACGGGATTCTTTTGCTTTGAAAATGTTGCAGTCCACCTGTCCAACTTGATCTTCC[G>A]GACATTTGACTTGTTTCTGGTTATCCACCATCTCTTTGCCTTTCTTGGGTTTCTTGGCTG-3'
Protein context (NP_061764.2, residues 119-139): VAVHLSNLIF[Arg129Gln]TFDLFLVIHH